The following is an entry in ClinVar:

NM_001378609.3(OTOGL):c.3017C>G (p.Ser1006Ter)

Gene: OTOGL (otogelin like; plus strand). Cytogenetic location: 12q21.31.
Variant type: single nucleotide variant.
Coding change: c.3017C>G on transcript NM_001378609.3 (MANE Select); coding-DNA position 3017, C replaced by G.
Protein change: p.Ser1006Ter; replaces serine 1006 with a stop codon.
Molecular consequence: nonsense. On other transcripts: intron variant (1).
Genome position (GRCh38, 1-based): chr12:80,296,915, C>G. VCF-style: chr12-80296915-C-G. GRCh37 (hg19) VCF-style: chr12-80690695-C-G.
Other names: c.3017C>G, p.Ser1006Ter (NM_001378610.3, NM_173591.7); c.2929-5719C>G (NM_001368062.3); short protein forms S1006*.
Identifiers: ClinVar variation 3601565 (VCV003601565.3).

ClinVar aggregate classification (germline): Likely pathogenic. Review status: criteria provided, multiple submitters, no conflicts (2 of 4 stars). 2 submissions from 2 submitters: Likely pathogenic (2). Last evaluated 2025-01-09.

Conditions:
Autosomal recessive nonsyndromic hearing loss 84B. Also called: Deafness, autosomal recessive 84b. Identifiers: Orphanet 90636, MedGen C3554159, MONDO:0013984, OMIM 614944.

gnomAD v4.1: 1 of 1,548,566 alleles (0.000065%); highest among the groups gnomAD compares: East Asian, 0.0023%; no homozygotes.

Submissions (2):

Institute of Rare Diseases, West China Hospital, Sichuan University
Classification: Likely pathogenic for Autosomal recessive nonsyndromic hearing loss 84B. Last evaluated: 2025-01-09. Review status: criteria provided, single submitter. Criteria: ClinGen HL ACMG Specifications v1. Collection method: research. Allele origin: germline. Affected: yes.
Comment: PVS1;PM2_Supporting

Juno Genomics, Hangzhou Juno Genomics, Inc
Classification: Likely pathogenic for Autosomal recessive nonsyndromic hearing loss 84B. Review status: criteria provided, single submitter. Criteria: ACMG Guidelines, 2015. Collection method: clinical testing. Allele origin: germline.
Comment: Null variant in a gene where loss of function (LOF) is a known mechanism of disease.;Absent from controls (or at extremely low frequency if recessive) in Genome Aggregation Database.